The following is an entry in ClinVar:

NM_006206.6(PDGFRA):c.1180A>G (p.Ile394Val)

Gene: PDGFRA (platelet derived growth factor receptor alpha; plus strand). Cytogenetic location: 4q12.
Variant type: single nucleotide variant.
Coding change: c.1180A>G on transcript NM_006206.6 (MANE Select); coding-DNA position 1180, A replaced by G.
Protein change: p.Ile394Val; replaces isoleucine 394 with valine.
Molecular consequence: missense variant.
Genome position (GRCh38, 1-based): chr4:54,270,691, A>G. VCF-style: chr4-54270691-A-G. GRCh37 (hg19) VCF-style: chr4-55136858-A-G.
Other names: c.1180A>G, p.Ile394Val (NM_001347827.2, NM_001347829.2); c.1255A>G, p.Ile419Val (NM_001347828.2); c.1219A>G, p.Ile407Val (NM_001347830.2); c.1180A>G (NM_006206.4); short protein forms I407V, I419V, I394V.
Identifiers: ClinVar variation 1405139 (VCV001405139.7), dbSNP rs1723295850, ClinGen allele CA356891993.

ClinVar aggregate classification (germline): Uncertain significance. Review status: criteria provided, multiple submitters, no conflicts (2 of 4 stars). 2 submissions from 2 submitters: Uncertain significance (2). Last evaluated 2025-08-25.

Conditions:
Hereditary cancer-predisposing syndrome. Also called: Tumor predisposition; Hereditary Cancer Syndrome; Hereditary neoplastic syndrome; Neoplastic Syndromes, Hereditary. Identifiers: Orphanet 140162, MedGen C0027672, MeSH D009386, MONDO:0015356.
Gastrointestinal stromal tumor. Also called: Gastrointestinal stroma tumor; Gastrointestinal stromal tumor, somatic. Identifiers: Orphanet 44890, MedGen C0238198, MeSH D046152, MONDO:0011719, OMIM 606764, HP:0100723.

Allele frequency attached by ClinVar (database versions not stated): gnomAD 0.00001.
gnomAD v4.1: 2 of 1,612,094 alleles (0.00012%); highest among the groups gnomAD compares: Admixed American, 0.0017%; no homozygotes.

Submissions (2):

Ambry Genetics
Classification: Uncertain significance for Hereditary cancer-predisposing syndrome. Last evaluated: 2025-08-25. Review status: criteria provided, single submitter. Criteria: Ambry Variant Classification Scheme 2023. Collection method: clinical testing. Allele origin: germline.
Comment: The p.I394V variant (also known as c.1180A>G), located in coding exon 7 of the PDGFRA gene, results from an A to G substitution at nucleotide position 1180. The isoleucine at codon 394 is replaced by valine, an amino acid with highly similar properties. This amino acid position is conserved. In addition, this alteration is predicted to be tolerated by in silico analysis. Based on the available evidence, the clinical significance of this variant remains unclear.

Labcorp Genetics (formerly Invitae), Labcorp
Classification: Uncertain significance for Gastrointestinal stromal tumor. Last evaluated: 2025-05-15. Review status: criteria provided, single submitter. Criteria: Invitae Variant Classification Sherloc (09022015). Collection method: clinical testing. Allele origin: germline.
Comment: This sequence change replaces isoleucine, which is neutral and non-polar, with valine, which is neutral and non-polar, at codon 394 of the PDGFRA protein (p.Ile394Val). This variant is not present in population databases (gnomAD no frequency). This variant has not been reported in the literature in individuals affected with PDGFRA-related conditions. ClinVar contains an entry for this variant (Variation ID: 1405139). Invitae Evidence Modeling of protein sequence and biophysical properties (such as structural, functional, and spatial information, amino acid conservation, physicochemical variation, residue mobility, and thermodynamic stability) indicates that this missense variant is not expected to disrupt PDGFRA protein function with a negative predictive value of 80%. In summary, the available evidence is currently insufficient to determine the role of this variant in disease. Therefore, it has been classified as a Variant of Uncertain Significance.